The following is an entry in ClinVar:

NM_000578.4(SLC11A1):c.747C>T (p.Gly249=)

Gene: SLC11A1 (solute carrier family 11 member 1; plus strand). Cytogenetic location: 2q35.
Variant type: single nucleotide variant.
Coding change: c.747C>T on transcript NM_000578.4 (MANE Select); coding-DNA position 747, C replaced by T.
Protein change: p.Gly249=; no amino-acid change (glycine 249 retained).
Molecular consequence: synonymous variant.
Genome position (GRCh38, 1-based): chr2:218,387,907, C>T. VCF-style: chr2-218387907-C-T. GRCh37 (hg19) VCF-style: chr2-219252630-C-T.
Identifiers: ClinVar variation 3055354 (VCV003055354.2), dbSNP rs17221959, ClinGen allele CA2105048.

ClinVar aggregate classification (germline): Benign (0 of 4 stars; one submission).

Conditions:
SLC11A1-related disorder. Also called: SLC11A1-related condition.

Allele frequency attached by ClinVar (database versions not stated): ExAC 0.09425; gnomAD 0.11631; ESP Exome Variant Server 0.12160; TOPMed 0.12525; 1000 Genomes Project 0.14557; 1000 Genomes Project 30x 0.14991.

Submission:

PreventionGenetics, part of Exact Sciences
Classification: Benign for SLC11A1-related condition. Last evaluated: 2024-01-22. Review status: no assertion criteria provided. Collection method: clinical testing. Allele origin: germline.
Comment: This variant is classified as benign based on ACMG/AMP sequence variant interpretation guidelines (Richards et al. 2015 PMID: 25741868, with internal and published modifications).